The following is an entry in ClinVar:

NM_001372106.1(DNAH10):c.10341A>G (p.Ser3447=)

Gene: DNAH10 (dynein axonemal heavy chain 10; plus strand). Cytogenetic location: 12q24.31.
Variant type: single nucleotide variant.
Coding change: c.10341A>G on transcript NM_001372106.1 (MANE Select); coding-DNA position 10341, A replaced by G.
Protein change: p.Ser3447=; no amino-acid change (serine 3447 retained).
Molecular consequence: synonymous variant.
Genome position (GRCh38, 1-based): chr12:123,913,304, A>G. VCF-style: chr12-123913304-A-G. GRCh37 (hg19) VCF-style: chr12-124397851-A-G.
Other names: c.9987A>G, p.Ser3329= (NM_207437.3).
Identifiers: ClinVar variation 710454 (VCV000710454.7), dbSNP rs200407181, ClinGen allele CA6865329.
Genomic context (GRCh38, chr12:123,913,304, plus strand): 5'-AGCCGAGATCATGGAGAGGCGGCTGATTGCCGCAGACAAACTCATCTCGGGTCTGGGGTC[A>G]GAAAACATCAGGTTAGCGCTGCTCACGAGCCCACCTGTTGCGGTTTGTAAACGGACGTCA-3'
Protein context (NP_001359035.1, residues 3437-3457): AADKLISGLG[Ser3447=]ENIRWLNDLD

ClinVar aggregate classification (germline): Benign/Likely benign. Review status: criteria provided, multiple submitters, no conflicts (2 of 4 stars). 4 submissions from 4 submitters: Benign (2); Likely benign (1). 1 of the submissions does not count toward it. Last evaluated 2024-11-11.

Conditions:
DNAH10-related disorder. Also called: DNAH10-related condition.

Allele frequency attached by ClinVar (database versions not stated): 1000 Genomes Project 30x 0.00078; 1000 Genomes Project 0.00080; TOPMed 0.00100; gnomAD 0.00107 and 0.00108; gnomAD exomes 0.00122 and 0.00135; ESP Exome Variant Server 0.00132; ExAC 0.00205.
gnomAD v4.1: 1,938 of 1,598,252 alleles (0.12%); highest among the groups gnomAD compares: Non-Finnish European, 0.12%; 3 homozygotes.

Submissions (4):

Blueprint Genetics
Classification: Likely benign. Last evaluated: 2024-11-11. Review status: criteria provided, single submitter. Criteria: ACMG Guidelines, 2015. Collection method: clinical testing. Allele origin: germline.

Labcorp Genetics (formerly Invitae), Labcorp
Classification: Benign. Last evaluated: 2018-08-16. Review status: criteria provided, single submitter. Criteria: Invitae Variant Classification Sherloc (09022015). Collection method: clinical testing. Allele origin: germline.

Breakthrough Genomics
Classification: Benign. Review status: criteria provided, single submitter. Criteria: ACMG Guidelines, 2015. Collection method: not provided. Allele origin: germline. Inheritance: Autosomal recessive inheritance. Affected: yes.

PreventionGenetics, part of Exact Sciences
Classification: Likely benign for DNAH10-related condition. Last evaluated: 2019-09-09. Review status: no assertion criteria provided. Collection method: clinical testing. Allele origin: germline. Not counted in ClinVar's aggregate classification.
Comment: This variant is classified as likely benign based on ACMG/AMP sequence variant interpretation guidelines (Richards et al. 2015 PMID: 25741868, with internal and published modifications).